The following is an entry in ClinVar:

NM_000081.4(LYST):c.5374A>G (p.Asn1792Asp)

Gene: LYST (lysosomal trafficking regulator; minus strand). Cytogenetic location: 1q42.3.
Variant type: single nucleotide variant.
Coding change: c.5374A>G on transcript NM_000081.4 (MANE Select); coding-DNA position 5374, A replaced by G.
Protein change: p.Asn1792Asp; replaces asparagine 1792 with aspartic acid.
Molecular consequence: missense variant.
Genome position (GRCh38, 1-based): chr1:235,777,149, T>C on the plus strand (A>G on the coding strand, the complement: LYST is on the minus strand). VCF-style: chr1-235777149-T-C. GRCh37 (hg19) VCF-style: chr1-235940449-T-C.
Other names: c.5374A>G, p.Asn1792Asp (NM_001301365.1); short protein forms N1792D.
Identifiers: ClinVar variation 1694322 (VCV001694322.4), dbSNP rs143696500, ClinGen allele CA1466641.

ClinVar aggregate classification (germline): Conflicting classifications of pathogenicity. Review status: criteria provided, conflicting classifications (1 of 4 stars). 2 submissions from 2 submitters: Uncertain significance (1); Likely benign (1). Last evaluated 2023-03-07.

Conditions:
LYST-related disorder. Also called: LYST-related condition.
Autoinflammatory syndrome. Identifiers: Orphanet 93665, MedGen C3890737, MONDO:0019751.

Allele frequency attached by ClinVar (database versions not stated): 1000 Genomes Project 30x 0.00078; ExAC 0.00007; gnomAD exomes 0.00010; 1000 Genomes Project 0.00060.
gnomAD v4.1: 112 of 1,613,404 alleles (0.0069%); highest among the groups gnomAD compares: African/African-American, 0.13%; 1 homozygote.

Submissions (2):

PreventionGenetics, part of Exact Sciences
Classification: Uncertain significance for LYST-related condition. Last evaluated: 2023-03-07. Review status: criteria provided, single submitter. Criteria: ACMG Guidelines, 2015. Collection method: clinical testing. Allele origin: germline.
Comment: The LYST c.5374A>G variant is predicted to result in the amino acid substitution p.Asn1792Asp. To our knowledge, this variant has not been reported in the literature. This variant is reported in 0.15% of alleles in individuals of African descent in gnomAD. Although we suspect that this variant may be benign, at this time, the clinical significance of this variant is uncertain due to the absence of conclusive functional and genetic evidence.

Genome Diagnostics Laboratory, The Hospital for Sick Children
Classification: Likely benign for Autoinflammatory syndrome. Last evaluated: 2020-09-08. Review status: criteria provided, single submitter. Criteria: ACMG Guidelines, 2015. Collection method: clinical testing. Allele origin: germline. Affected: yes.